The following is an entry in ClinVar:

NM_004168.4(SDHA):c.688del (p.Glu230fs)

Gene: SDHA (succinate dehydrogenase complex flavoprotein subunit A; plus strand). Cytogenetic location: 5p15.33.
Variant type: Deletion.
Coding change: c.688del on transcript NM_004168.4 (MANE Select); coding-DNA position 688, one base deleted (G; older notation c.688delG).
Protein change: p.Glu230fs; shifts the reading frame from glutamic acid 230.
Molecular consequence: frameshift variant.
Genome position (GRCh38, 1-based): chr5:228,251, G deleted; the last of 4 consecutive G bases (chr5:228,248-228,251); deleting any one gives the same sequence. VCF-style (leftmost placement, unchanged base first): chr5-228247-TG-T. GRCh37 (hg19) VCF-style: chr5-228362-TG-T.
Other names: c.688del (NM_004168.2); c.544del, p.Glu182fs (NM_001294332.2); c.688del, p.Glu230fs (NM_001330758.2); short protein forms E182fs, E230fs.
Identifiers: ClinVar variation 472291 (VCV000472291.26), dbSNP rs1553998199, ClinGen allele CA658657421.

ClinVar aggregate classification (germline): Pathogenic/Likely pathogenic. Review status: criteria provided, multiple submitters, no conflicts (2 of 4 stars). 10 submissions from 10 submitters: Pathogenic (7); Likely pathogenic (2). 1 of the submissions does not count toward it. Last evaluated 2025-12-29.

Conditions:
Hereditary cancer-predisposing syndrome. Also called: Neoplastic Syndromes, Hereditary; Hereditary Cancer Syndrome; Hereditary neoplastic syndrome; Tumor predisposition. Identifiers: Orphanet 140162, MedGen C0027672, MeSH D009386, MONDO:0015356.
Mitochondrial complex II deficiency, nuclear type 1. Also called: SUCCINATE CoQ REDUCTASE DEFICIENCY. Identifiers: Orphanet 3208, MedGen C5700310, MONDO:0100294, OMIM 252011.
Dilated cardiomyopathy 1GG (CMD1GG). Identifiers: Orphanet 154, MedGen C3150898, MONDO:0013339, OMIM 613642.
Neurodegeneration with ataxia and late-onset optic atrophy. Identifiers: MedGen C5543254, MONDO:0031006, OMIM 619259.
Pheochromocytoma/paraganglioma syndrome 5. Also called: Paragangliomas 5; SDHA-Related Hereditary Paraganglioma-Pheochromocytoma Syndrome. Identifiers: Orphanet 29072, MedGen C3279992, MONDO:0013602, OMIM 614165.
SDHA-related disorder. Also called: SDHA-related condition; SDHA-related disorders.

Submissions (10):

Labcorp Genetics (formerly Invitae), Labcorp
Classification: Pathogenic for Pheochromocytoma/paraganglioma syndrome 5; Mitochondrial complex II deficiency, nuclear type 1. Last evaluated: 2025-12-29. Review status: criteria provided, single submitter. Criteria: Invitae Variant Classification Sherloc (09022015). Collection method: clinical testing. Allele origin: germline.
Comment: This sequence change creates a premature translational stop signal (p.Glu230Serfs*10) in the SDHA gene. It is expected to result in an absent or disrupted protein product. Loss-of-function variants in SDHA are known to be pathogenic (PMID: 22974104, 24781757). This variant is not present in population databases (gnomAD no frequency). This premature translational stop signal has been observed in individual(s) with gastrointestinal stromal tumor (PMID: 22955521). ClinVar contains an entry for this variant (Variation ID: 472291). For these reasons, this variant has been classified as Pathogenic.

Ambry Genetics
Classification: Pathogenic for Hereditary cancer-predisposing syndrome. Last evaluated: 2025-01-21. Review status: criteria provided, single submitter. Criteria: Ambry Variant Classification Scheme 2023. Collection method: clinical testing. Allele origin: germline.
Comment: The c.688delG pathogenic mutation, located in coding exon 6 of the SDHA gene, results from a deletion of one nucleotide at nucleotide position 688, causing a translational frameshift with a predicted alternate stop codon (p.E230Sfs*10). This alteration has been detected in individuals with gastrointestinal stromal tumor (GIST) (Wagner AJ et al. Mod. Pathol., 2013 Feb;26:289-94; Nannini M et al. J. Med. Genet. 2013 Oct;50(10):653-61). This variant is considered to be rare based on population cohorts in the Genome Aggregation Database (gnomAD). In addition to the clinical data presented in the literature, this alteration is expected to result in loss of function by premature protein truncation or nonsense-mediated mRNA decay. As such, this alteration is interpreted as a disease-causing mutation.

Fulgent Genetics
Classification: Likely pathogenic for Mitochondrial complex II deficiency, nuclear type 1; Dilated cardiomyopathy 1GG; Pheochromocytoma/paraganglioma syndrome 5; Neurodegeneration with ataxia and late-onset optic atrophy. Last evaluated: 2024-05-10. Review status: criteria provided, single submitter. Criteria: ACMG Guidelines, 2015. Collection method: clinical testing. Allele origin: germline.

Quest Diagnostics Nichols Institute San Juan Capistrano
Classification: Pathogenic. Last evaluated: 2024-04-01. Review status: criteria provided, single submitter. Criteria: Quest Diagnostics criteria. Collection method: clinical testing. Allele origin: unknown.
Comment: The SDHA c.688del (p.Glu230Serfs*10) variant alters the translational reading frame of the SDHA mRNA and causes the premature termination of SDHA protein synthesis. This variant has been reported in the published literature in an individual with a gastrointestinal stromal tumor (PMID: 22955521 (2013)). This variant has also been identified in an individual with coronary artery disease (PMID: 34363016 (2021)). This variant has not been reported in large, multi-ethnic general populations (Genome Aggregation Database). Based on the available information, this variant is classified as pathogenic.

Myriad Genetics, Inc.
Classification: Pathogenic for Pheochromocytoma/paraganglioma syndrome 5. Last evaluated: 2024-02-07. Review status: criteria provided, single submitter. Criteria: Myriad Autosomal Dominant, Autosomal Recessive and X-Linked Classification Criteria (2023). Collection method: clinical testing. Allele origin: unknown.
Comment: This variant is considered pathogenic. This variant creates a frameshift predicted to result in premature protein truncation.

GeneDx
Classification: Pathogenic. Last evaluated: 2024-01-29. Review status: criteria provided, single submitter. Criteria: GeneDx Variant Classification Process June 2021. Collection method: clinical testing. Allele origin: germline. Affected: yes.
Comment: Frameshift variant predicted to result in protein truncation or nonsense mediated decay in a gene for which loss of function is a known mechanism of disease; Not observed at significant frequency in large population cohorts (gnomAD); This variant is associated with the following publications: (PMID: 34363016, 22955521)

Baylor Genetics
Classification: Pathogenic for Dilated cardiomyopathy 1GG. Last evaluated: 2023-10-24. Review status: criteria provided, single submitter. Criteria: ACMG Guidelines, 2015. Collection method: clinical testing. Allele origin: unknown.

Human Genome Sequencing Center Clinical Lab, Baylor College of Medicine
Classification: Likely pathogenic for Pheochromocytoma/paraganglioma syndrome 5. Last evaluated: 2019-08-13. Review status: criteria provided, single submitter. Criteria: ACMG Guidelines, 2015. Collection method: clinical testing. Allele origin: germline.
Comment: This particular SDHA variant, c.688delG, is predicted to cause a frameshift and subsequent premature stop codon (p.Glu230SerfsTer10) leading to a shortened or absent protein. It is not present in population databases (e.g., gnomAD). It has been reported in the heterozygous state in an individual with a gastric intestinal stromal tumor (PMID: 22955521). It is considered a likely pathogenic variant.

Rady Children's Institute for Genomic Medicine, Rady Children's Hospital San Diego
Classification: Pathogenic for PARAGANGLIOMAS 5. Last evaluated: 2019-01-29. Review status: criteria provided, single submitter. Criteria: ACMG Guidelines, 2015. Collection method: clinical testing. Allele origin: germline. Affected: yes. Observed: 1 variant allele.
Comment: This frameshifting variant in exon 6 of 15 introduces a premature stop codon and is therefore predicted to result in loss of normal protein function. This variant has been reported twice in ClinVar by two different clinical labs as a pathogenic variant in patients with Paragangliomas 5 and Hereditary cancer-predisposing syndrome (ClinVar Accession IDs: RCV000551986.1; RCV000566076.1). This variant has also been previously reported in the literature as a germline heterozygous variant in an individual with gastrointestinal stromal tumor (GIST) (PMID: 22955521). It is absent from the ExAC and gnomAD population databases and thus is presumed to be rare. Based on the available evidence, the c.688delG (p.Glu230SerfsTer10) variant is classified as pathogenic.

PreventionGenetics, part of Exact Sciences
Classification: Pathogenic for SDHA-related condition. Last evaluated: 2024-08-09. Review status: no assertion criteria provided. Collection method: clinical testing. Allele origin: germline. Not counted in ClinVar's aggregate classification.
Comment: The SDHA c.688delG variant is predicted to result in a frameshift and premature protein termination (p.Glu230Serfs*10). This variant was reported in an individual with a gastrointestinal stromal tumor (Wagner et al. 2013. PubMed ID: 22955521) and an individual with mitochondrial cardiomyopathy (Murdock et al. 2021. PubMed ID: 34363016). This variant has not been reported in a large population database, indicating this variant is rare. This variant is classified as either likely pathogenic or pathogenic by numerous labs in ClinVar. Frameshift variants in SDHA are expected to be pathogenic. This variant is interpreted as pathogenic.

Literature cited by the submitters: PubMed 22974104 (cited by Labcorp Genetics (formerly Invitae), Labcorp); PubMed 24781757 (cited by Labcorp Genetics (formerly Invitae), Labcorp); PubMed 22955521 (cited by 3 submitters); PubMed 34363016 (cited by Quest Diagnostics Nichols Institute San Juan Capistrano).